The following is an entry in ClinVar:

ClinVar aggregate classification (germline): Likely benign (0 of 4 stars; one submission).

Conditions:
PEX10-related disorder. Also called: PEX10-related condition.

gnomAD v4.1: 8 of 1,357,934 alleles (0.00059%); highest among the groups gnomAD compares: Admixed American, 0.028%; no homozygotes.

Submission:

PreventionGenetics, part of Exact Sciences
Classification: Likely benign for PEX10-related condition. Last evaluated: 2021-12-14. Review status: no assertion criteria provided. Collection method: clinical testing. Allele origin: germline.
Comment: This variant is classified as likely benign based on ACMG/AMP sequence variant interpretation guidelines (Richards et al. 2015 PMID: 25741868, with internal and published modifications).

NM_002617.4(PEX10):c.-3G>C

Gene: PEX10 (peroxisomal biogenesis factor 10; minus strand). Cytogenetic location: 1p36.32.
Variant type: single nucleotide variant.
Coding change: c.-3G>C on transcript NM_002617.4 (MANE Select); 3 bases upstream of the start codon, G replaced by C.
Molecular consequence: 5 prime UTR variant. On other transcripts: intron variant (2).
Genome position (GRCh38, 1-based): chr1:2,412,505, C>G on the plus strand (G>C on the coding strand, the complement: PEX10 is on the minus strand). VCF-style: chr1-2412505-C-G. GRCh37 (hg19) VCF-style: chr1-2343944-C-G.
Other names: c.-3G>C (NM_001374425.1, NM_153818.2); c.-321+1092G>C (NM_001374427.1, NM_001374426.1).
Identifiers: ClinVar variation 3046243 (VCV003046243.2), dbSNP rs749847706, ClinGen allele CA538322.